The following is an entry in ClinVar:

ClinVar aggregate classification (germline): Uncertain significance. Review status: criteria provided, multiple submitters, no conflicts (2 of 4 stars). 3 submissions from 3 submitters: Uncertain significance (3). Last evaluated 2025-05-24.

Conditions:
Craniosynostosis syndrome. Also called: Craniosynostosis. Identifiers: Orphanet 1531, MedGen C0010278, MeSH D003398, MONDO:0015469, HP:0001363.

Allele frequency attached by ClinVar (database versions not stated): gnomAD exomes 0.00001; ExAC 0.00001.
gnomAD v4.1: 19 of 1,613,454 alleles (0.0012%); highest among the groups gnomAD compares: East Asian, 0.0022%; no homozygotes.

Submissions (3):

Dasa
Classification: Uncertain significance. Last evaluated: 2025-05-24. Review status: criteria provided, single submitter. Criteria: DASA Assertion Criteria. Collection method: clinical testing. Allele origin: germline.
Comment: NM_001384732.1(CPLANE1):c.4007G>A (p.Arg1336Gln) is a missense variant that results in the substitution of arginine with glutamine. The affected residue or protein region has prior evidence supporting clinical relevance. This variant is rare in population databases. Computational prediction algorithms are consistent with a benign effect. The currently available literature and clinical evidence are not sufficient to establish a definitive association between this variant and the reported condition. Therefore, this variant is classified as a variant of uncertain significance.

Labcorp Genetics (formerly Invitae), Labcorp
Classification: Uncertain significance. Last evaluated: 2024-10-03. Review status: criteria provided, single submitter. Criteria: Invitae Variant Classification Sherloc (09022015). Collection method: clinical testing. Allele origin: germline.
Comment: This sequence change replaces arginine, which is basic and polar, with glutamine, which is neutral and polar, at codon 1336 of the CPLANE1 protein (p.Arg1336Gln). This variant is present in population databases (rs749057824, gnomAD 0.003%). This variant has not been reported in the literature in individuals affected with CPLANE1-related conditions. ClinVar contains an entry for this variant (Variation ID: 2195136). Invitae Evidence Modeling of protein sequence and biophysical properties (such as structural, functional, and spatial information, amino acid conservation, physicochemical variation, residue mobility, and thermodynamic stability) has been performed for this missense variant. However, the output from this modeling did not meet the statistical confidence thresholds required to predict the impact of this variant on CPLANE1 protein function. This variant disrupts the p.Arg1336 amino acid residue in CPLANE1. Other variant(s) that disrupt this residue have been determined to be pathogenic (PMID: 22425360). This suggests that this residue is clinically significant, and that variants that disrupt this residue are likely to be disease-causing. In summary, the available evidence is currently insufficient to determine the role of this variant in disease. Therefore, it has been classified as a Variant of Uncertain Significance.

Cambridge Genomics Laboratory, East Genomic Laboratory Hub, NHS Genomic Medicine Service
Classification: Uncertain significance for Craniosynostosis syndrome. Last evaluated: 2019-08-08. Review status: criteria provided, single submitter. Criteria: ACGS Best Practice Guidelines for Variant Classification in Rare Disease 2020. Collection method: clinical testing. Allele origin: germline. Affected: yes. Observed: 1 variant allele.

Literature cited by the submitters: PubMed 22425360 (cited by Labcorp Genetics (formerly Invitae), Labcorp).

NM_001384732.1(CPLANE1):c.4007G>A (p.Arg1336Gln)

Gene: CPLANE1 (ciliogenesis and planar polarity effector complex subunit 1; minus strand). Cytogenetic location: 5p13.2.
Variant type: single nucleotide variant.
Coding change: c.4007G>A on transcript NM_001384732.1 (MANE Select); coding-DNA position 4007, G replaced by A.
Protein change: p.Arg1336Gln; replaces arginine 1336 with glutamine.
Molecular consequence: missense variant.
Genome position (GRCh38, 1-based): chr5:37,187,487, C>T on the plus strand (G>A on the coding strand, the complement: CPLANE1 is on the minus strand). VCF-style: chr5-37187487-C-T. GRCh37 (hg19) VCF-style: chr5-37187589-C-T.
Other names: c.4007G>A, p.Arg1336Gln (NM_023073.4); short protein forms R1336Q.
Identifiers: ClinVar variation 2195136 (VCV002195136.7), dbSNP rs749057824, ClinGen allele CA3238810.